The following is an entry in ClinVar:

NM_000051.4(ATM):c.2354G>C (p.Arg785Pro)

Gene: ATM (ATM serine/threonine kinase; plus strand). Cytogenetic location: 11q22.3.
Variant type: single nucleotide variant.
Coding change: c.2354G>C on transcript NM_000051.4 (MANE Select); coding-DNA position 2354, G replaced by C.
Protein change: p.Arg785Pro; replaces arginine 785 with proline.
Molecular consequence: missense variant.
Genome position (GRCh38, 1-based): chr11:108,257,584, G>C. VCF-style: chr11-108257584-G-C. GRCh37 (hg19) VCF-style: chr11-108128311-G-C.
Other names: c.2354G>C, p.Arg785Pro (NM_001351834.2); short protein forms R785P.
Identifiers: ClinVar variation 3451219 (VCV003451219.1).

ClinVar aggregate classification (germline): Uncertain significance (1 of 4 stars; one submission).

Conditions:
Hereditary cancer-predisposing syndrome. Also called: Tumor predisposition; Neoplastic Syndromes, Hereditary; Hereditary neoplastic syndrome; Hereditary Cancer Syndrome. Identifiers: Orphanet 140162, MedGen C0027672, MeSH D009386, MONDO:0015356.

Submission:

Ambry Genetics
Classification: Uncertain significance for Hereditary cancer-predisposing syndrome. Last evaluated: 2024-09-26. Review status: criteria provided, single submitter. Criteria: Ambry Variant Classification Scheme 2023. Collection method: clinical testing. Allele origin: germline.
Comment: The p.R785P variant (also known as c.2354G>C), located in coding exon 14 of the ATM gene, results from a G to C substitution at nucleotide position 2354. The arginine at codon 785 is replaced by proline, an amino acid with dissimilar properties. This amino acid position is poorly conserved in available vertebrate species. In addition, this alteration is predicted to be tolerated by in silico analysis. Based on the available evidence, the clinical significance of this variant remains unclear.